The following is an entry in ClinVar:

NM_000540.3(RYR1):c.9563C>G (p.Pro3188Arg)

Gene: RYR1 (ryanodine receptor 1; plus strand). Cytogenetic location: 19q13.2.
Variant type: single nucleotide variant.
Coding change: c.9563C>G on transcript NM_000540.3 (MANE Select); coding-DNA position 9563, C replaced by G.
Protein change: p.Pro3188Arg; replaces proline 3188 with arginine.
Molecular consequence: missense variant.
Genome position (GRCh38, 1-based): chr19:38,516,095, C>G. VCF-style: chr19-38516095-C-G. GRCh37 (hg19) VCF-style: chr19-39006735-C-G.
Other names: c.9563C>G, p.Pro3188Arg (NM_001042723.2); short protein forms P3188R.
Identifiers: ClinVar variation 2630194 (VCV002630194.3), dbSNP rs2514425294, ClinGen allele CA405689988.

ClinVar aggregate classification (germline): Uncertain significance. Review status: criteria provided, multiple submitters, no conflicts (2 of 4 stars). 3 submissions from 3 submitters: Uncertain significance (3). Last evaluated 2025-03-26.

Conditions:
Malignant hyperthermia, susceptibility to, 1 (MHS1). Also called: Anesthesia related hyperthermia; Malignant hyperpyrexia; Fulminating hyperpyrexia; Pharmacogenic myopathy; RYR1-Related Malignant Hyperthermia Susceptibility; Malignant hyperthermia suceptibility 1. Identifiers: Orphanet 423, MedGen C2930980, MONDO:0007783, OMIM 145600.
RYR1-related disorder. Also called: RYR1-related condition; RYR1-related disorders. Identifiers: MedGen CN239331.

Submissions (3):

GeneDx
Classification: Uncertain significance. Last evaluated: 2025-03-26. Review status: criteria provided, single submitter. Criteria: GeneDx Variant Classification Process June 2021. Collection method: clinical testing. Allele origin: germline. Affected: yes.
Comment: Not observed at significant frequency in large population cohorts (gnomAD); In silico analysis supports that this missense variant has a deleterious effect on protein structure/function; Has not been previously published as pathogenic or benign to our knowledge; This variant is associated with the following publications: (PMID: 12668474)

All of Us Research Program, National Institutes of Health
Classification: Uncertain significance for Malignant hyperthermia, susceptibility to, 1. Last evaluated: 2024-06-09. Review status: criteria provided, single submitter. Criteria: ACMG Guidelines, 2015. Collection method: clinical testing. Allele origin: germline. Inheritance: Autosomal dominant inheritance. Observed: 1 variant allele, 1 heterozygote.
Comment: This missense variant replaces proline with arginine at codon 3188 of the RYR1 protein. Computational prediction is inconclusive regarding the impact of this variant on protein structure and function. To our knowledge, functional studies have not been reported for this variant. This variant has not been reported in individuals affected with RYR1-related disorders in the literature. This variant has not been identified in the general population by the Genome Aggregation Database (gnomAD). The available evidence is insufficient to determine the role of this variant in disease conclusively. Therefore, this variant is classified as a Variant of Uncertain Significance.

This study involves interpretation of variants in research participants for the purpose of population health screening. Participant phenotype was not available at the time of variant classification. Additional details can be found in publication PMID: 35346344, PMCID: PMC8962531

PreventionGenetics, part of Exact Sciences
Classification: Uncertain significance for RYR1-related condition. Last evaluated: 2023-02-02. Review status: criteria provided, single submitter. Criteria: ACMG Guidelines, 2015. Collection method: clinical testing. Allele origin: germline.
Comment: The RYR1 c.9563C>G variant is predicted to result in the amino acid substitution p.Pro3188Arg. To our knowledge, this variant has not been reported in the literature or in a large population database, indicating this variant is rare. At this time, the clinical significance of this variant is uncertain due to the absence of conclusive functional and genetic evidence.